The following is an entry in ClinVar:

ClinVar aggregate classification (germline): Uncertain significance (1 of 4 stars; one submission).

Conditions:
Inborn genetic diseases. Identifiers: MedGen C0950123, MeSH D030342.

gnomAD v4.1: 2 of 1,614,140 alleles (0.00012%); highest among the groups gnomAD compares: African/African-American, 0.0013%; no homozygotes.

Submission:

Ambry Genetics
Classification: Uncertain significance for Inborn genetic diseases. Last evaluated: 2025-09-19. Review status: criteria provided, single submitter. Criteria: Ambry Variant Classification Scheme 2023. Collection method: clinical testing. Allele origin: germline.
Comment: The p.S132G variant (also known as c.394A>G), located in coding exon 4 of the FANCA gene, results from an A to G substitution at nucleotide position 394. The serine at codon 132 is replaced by glycine, an amino acid with similar properties. This amino acid position is conserved. In addition, this alteration is predicted to be tolerated by in silico analysis. Based on the available evidence, the clinical significance of this variant remains unclear.

NM_000135.4(FANCA):c.394A>G (p.Ser132Gly)

Gene: FANCA (FA complementation group A; minus strand). Cytogenetic location: 16q24.3.
Variant type: single nucleotide variant.
Coding change: c.394A>G on transcript NM_000135.4 (MANE Select); coding-DNA position 394, A replaced by G.
Protein change: p.Ser132Gly; replaces serine 132 with glycine.
Molecular consequence: missense variant.
Genome position (GRCh38, 1-based): chr16:89,810,961, T>C on the plus strand (A>G on the coding strand, the complement: FANCA is on the minus strand). VCF-style: chr16-89810961-T-C. GRCh37 (hg19) VCF-style: chr16-89877369-T-C.
Other names: c.394A>G, p.Ser132Gly (NM_001018112.3, NM_001286167.3, NM_001351830.2); short protein forms S132G.
Identifiers: ClinVar variation 4619151 (VCV004619151.1).